The following is an entry in ClinVar:

NM_176787.5(PIGN):c.805+3del

Gene: PIGN (phosphatidylinositol glycan anchor biosynthesis class N; minus strand). Cytogenetic location: 18q21.33.
Variant type: Deletion.
Coding change: c.805+3del on transcript NM_176787.5 (MANE Select); 3 bases into the intron after coding-DNA position 805, one base deleted (T; older notation c.805+3delT).
Molecular consequence: splice donor variant.
Genome position (GRCh38, 1-based): chr18:62,146,968, A deleted on the plus strand (T on the coding strand, the reverse complement: PIGN is on the minus strand); the first of 2 consecutive A bases (chr18:62,146,968-62,146,969); deleting either gives the same sequence. VCF-style (leftmost placement, unchanged base first): chr18-62146967-TA-T. GRCh37 (hg19) VCF-style: chr18-59814200-TA-T.
Other names: c.805+3del (NM_012327.6); c.805+3delT (NM_176787.4).
Identifiers: ClinVar variation 643241 (VCV000643241.8), dbSNP rs1383620062, ClinGen allele CA630105373.

ClinVar aggregate classification (germline): Uncertain significance (1 of 4 stars; one submission).

Conditions:
Multiple congenital anomalies-hypotonia-seizures syndrome 1 (MCAHS1). Also called: PIGN-CDG; Congenital disorder of glycosylation due to PIGN deficiency; GLYCOSYLPHOSPHATIDYLINOSITOL BIOSYNTHESIS DEFECT 3. Identifiers: Orphanet 280633, MedGen C3279775, MONDO:0013563, OMIM 614080.

Submission:

Labcorp Genetics (formerly Invitae), Labcorp
Classification: Uncertain significance for Multiple congenital anomalies-hypotonia-seizures syndrome 1. Last evaluated: 2023-12-11. Review status: criteria provided, single submitter. Criteria: Invitae Variant Classification Sherloc (09022015). Collection method: clinical testing. Allele origin: germline.
Comment: This sequence change falls in intron 9 of the PIGN gene. It does not directly change the encoded amino acid sequence of the PIGN protein. It affects a nucleotide within the consensus splice site. This variant is present in population databases (no rsID available, gnomAD 0.02%). This variant has not been reported in the literature in individuals affected with PIGN-related conditions. ClinVar contains an entry for this variant (Variation ID: 643241). Variants that disrupt the consensus splice site are a relatively common cause of aberrant splicing (PMID: 17576681, 9536098). Algorithms developed to predict the effect of sequence changes on RNA splicing suggest that this variant may disrupt the consensus splice site. In summary, the available evidence is currently insufficient to determine the role of this variant in disease. Therefore, it has been classified as a Variant of Uncertain Significance.

Literature cited by the submitters: PubMed 17576681; PubMed 9536098.